The following is an entry in ClinVar:

ClinVar aggregate classification (germline): Conflicting classifications of pathogenicity. Review status: criteria provided, conflicting classifications (1 of 4 stars). 4 submissions from 4 submitters: Uncertain significance (1); Likely benign (3). Last evaluated 2026-08-01.

Conditions:
Cardiovascular phenotype. Identifiers: MedGen CN230736.
Dilated cardiomyopathy 1G (CMD1G). Identifiers: Orphanet 154, MedGen C1858763, MONDO:0011400, OMIM 604145.
Autosomal recessive limb-girdle muscular dystrophy type 2J (LGMDR10). Also called: Limb-girdle muscular dystrophy, type 2J; MUSCULAR DYSTROPHY, LIMB-GIRDLE, AUTOSOMAL RECESSIVE 10. Identifiers: Orphanet 140922, MedGen C1837342, MONDO:0012127, OMIM 608807.

Allele frequency attached by ClinVar (database versions not stated): gnomAD 0.00001; ExAC 0.00002; gnomAD exomes 0.00002 and 0.00003; TOPMed 0.00002.
gnomAD v4.1: 10 of 1,613,434 alleles (0.00062%); highest among the groups gnomAD compares: Admixed American, 0.012%; no homozygotes.

Submissions (4):

CeGaT Center for Human Genetics Tuebingen
Classification: Likely benign. Last evaluated: 2026-08-01. Review status: criteria provided, single submitter. Criteria: CeGaT Center For Human Genetics Tuebingen Variant Classification Criteria Version 2. Collection method: clinical testing. Allele origin: germline. Affected: yes. Observed: 1 variant allele.
Comment: TTN: BP4, BP7

Labcorp Genetics (formerly Invitae), Labcorp
Classification: Likely benign for Dilated cardiomyopathy 1G; Autosomal recessive limb-girdle muscular dystrophy type 2J. Last evaluated: 2025-09-24. Review status: criteria provided, single submitter. Criteria: Invitae Variant Classification Sherloc (09022015). Collection method: clinical testing. Allele origin: germline.

Ambry Genetics
Classification: Likely benign for Cardiovascular phenotype. Last evaluated: 2019-12-10. Review status: criteria provided, single submitter. Criteria: Ambry Variant Classification Scheme 2023. Collection method: clinical testing. Allele origin: germline.

Eurofins Ntd Llc (ga)
Classification: Uncertain significance. Last evaluated: 2018-01-02. Review status: criteria provided, single submitter. Criteria: EGL Classification Definitions 2015. Collection method: clinical testing. Allele origin: germline. Observed: 1 variant allele, 1 heterozygote.

NM_001267550.2(TTN):c.100629T>C (p.Tyr33543=)

Genes: TTN (titin; minus strand), TTN-AS1 (TTN antisense RNA 1; plus strand). Cytogenetic location: 2q31.2.
Variant type: single nucleotide variant.
Coding change: c.100629T>C on transcript NM_001267550.2 (MANE Select); coding-DNA position 100629, T replaced by C.
Protein change: p.Tyr33543=; no amino-acid change (tyrosine 33543 retained).
Molecular consequence: synonymous variant.
Genome position (GRCh38, 1-based): chr2:178,536,118, A>G on the plus strand (T>C on the coding strand, the complement: TTN is on the minus strand). VCF-style: chr2-178536118-A-G. GRCh37 (hg19) VCF-style: chr2-179400845-A-G.
Other names: c.95706T>C, p.Tyr31902= (NM_001256850.1); c.73434T>C, p.Tyr24478= (NM_003319.4); c.92925T>C, p.Tyr30975= (NM_133378.4); c.73809T>C, p.Tyr24603= (NM_133432.3); c.74010T>C, p.Tyr24670= (NM_133437.4).
Identifiers: ClinVar variation 595567 (VCV000595567.16), dbSNP rs772935423, ClinGen allele CA1986013.
Genomic context (GRCh38, chr2:178,536,118, plus strand): 5'-ATCATCTGTGACACTTGCAATGATGAGCTGGTGGTAGCCACCCTTAAATTCTTGAATCCT[A>G]TATTTTAATCCATCTGCAATGATTTCTTTGCCTTGTCTGTACCATTTGACGATAGGTTTT-3'
Protein context (NP_001254479.2, residues 33533-33553): GKEIIADGLK[Tyr33543=]RIQEFKGGYH